The following is an entry in ClinVar:

NM_001557.4(CXCR2):c.344G>A (p.Gly115Asp)

Gene: CXCR2 (C-X-C motif chemokine receptor 2; plus strand). Cytogenetic location: 2q35.
Variant type: single nucleotide variant.
Coding change: c.344G>A on transcript NM_001557.4 (MANE Select); coding-DNA position 344, G replaced by A.
Protein change: p.Gly115Asp; replaces glycine 115 with aspartic acid.
Molecular consequence: missense variant.
Genome position (GRCh38, 1-based): chr2:218,135,145, G>A. VCF-style: chr2-218135145-G-A. GRCh37 (hg19) VCF-style: chr2-218999868-G-A.
Other names: c.344G>A, p.Gly115Asp (NM_001168298.2); short protein forms G115D.
Identifiers: ClinVar variation 3619179 (VCV003619179.2).

ClinVar aggregate classification (germline): Uncertain significance (1 of 4 stars; one submission).

gnomAD v4.1: 4 of 1,614,168 alleles (0.00025%); highest among the groups gnomAD compares: South Asian, 0.0022%; no homozygotes.

Submission:

Labcorp Genetics (formerly Invitae), Labcorp
Classification: Uncertain significance. Last evaluated: 2024-02-17. Review status: criteria provided, single submitter. Criteria: Invitae Variant Classification Sherloc (09022015). Collection method: clinical testing. Allele origin: germline.
Comment: This sequence change replaces glycine, which is neutral and non-polar, with aspartic acid, which is acidic and polar, at codon 115 of the CXCR2 protein (p.Gly115Asp). This variant is present in population databases (rs750271295, gnomAD 0.003%). This variant has not been reported in the literature in individuals affected with CXCR2-related conditions. An algorithm developed to predict the effect of missense changes on protein structure and function (PolyPhen-2) suggests that this variant is likely to be disruptive. In summary, the available evidence is currently insufficient to determine the role of this variant in disease. Therefore, it has been classified as a Variant of Uncertain Significance.